The following is an entry in ClinVar:

ClinVar aggregate classification (germline): Likely pathogenic. Review status: criteria provided, multiple submitters, no conflicts (2 of 4 stars). 2 submissions from 2 submitters: Likely pathogenic (2). Last evaluated 2024-04-30.

Conditions:
Neural tube defects, folate-sensitive (NTDFS). Also called: NTD, FOLATE-SENSITIVE. Identifiers: Orphanet 823, MedGen C1866558, MONDO:0011120, OMIM 601634.
Methylcobalamin deficiency type cblE (HMAE). Also called: HOMOCYSTINURIA-MEGALOBLASTIC ANEMIA, cblE COMPLEMENTATION TYPE; VITAMIN B12-RESPONSIVE HOMOCYSTINURIA, cblE TYPE; HOMOCYSTINURIA-MEGALOBLASTIC ANEMIA, cblE TYPE. Identifiers: Orphanet 2169, Orphanet 622, MedGen C1856057, MONDO:0009354, OMIM 236270.

Submissions (2):

Natera, Inc.
Classification: Likely pathogenic for CblE complementation type homocystinuria-megaloblastic anemia due to defect in cobalamin metabolism. Last evaluated: 2024-04-30. Review status: criteria provided, single submitter. Criteria: Natera Variant Classification Schema (03/2026). Collection method: clinical testing. Allele origin: germline.
Comment: The c.1057+1G>A variant in MTRR is a canonical splice donor site variant predicted to affect pre-mRNA splicing, which may result in an abnormal transcript and altered protein product. This variant is expected to result in nonsense mediated decay, truncation, or a dysfunctional protein product. This variant is rare in the general population with a frequency below the threshold expected for the associated phenotype(s). Given the available evidence, this variant is classified as Likely Pathogenic.

Baylor Genetics
Classification: Likely pathogenic for Neural tube defects, folate-sensitive. Last evaluated: 2022-06-29. Review status: criteria provided, single submitter. Criteria: ACMG Guidelines, 2015. Collection method: clinical testing. Allele origin: unknown.

NM_002454.3(MTRR):c.1057+1G>A

Gene: MTRR (5-methyltetrahydrofolate-homocysteine methyltransferase reductase; plus strand). Cytogenetic location: 5p15.31.
Variant type: single nucleotide variant.
Coding change: c.1057+1G>A on transcript NM_002454.3 (MANE Select); the canonical splice donor site of the intron after coding-DNA position 1057, G replaced by A.
Molecular consequence: splice donor variant.
Genome position (GRCh38, 1-based): chr5:7,885,855, G>A. VCF-style: chr5-7885855-G-A. GRCh37 (hg19) VCF-style: chr5-7885968-G-A.
Other names: c.1057+1G>A (NM_001364442.2, NM_024010.4, NM_001364440.2 and 2 more transcripts).
Identifiers: ClinVar variation 2676884 (VCV002676884.2), dbSNP rs2478947085, ClinGen allele CA359158075.